The following is an entry in ClinVar:

NM_000465.4(BARD1):c.239G>C (p.Gly80Ala)

Gene: BARD1 (BRCA1 associated RING domain 1; minus strand). Cytogenetic location: 2q35.
Variant type: single nucleotide variant.
Coding change: c.239G>C on transcript NM_000465.4 (MANE Select); coding-DNA position 239, G replaced by C.
Protein change: p.Gly80Ala; replaces glycine 80 with alanine.
Molecular consequence: missense variant. On other transcripts: non-coding transcript variant (1), intron variant (2).
Genome position (GRCh38, 1-based): chr2:214,792,422, C>G on the plus strand (G>C on the coding strand, the complement: BARD1 is on the minus strand). VCF-style: chr2-214792422-C-G. GRCh37 (hg19) VCF-style: chr2-215657146-C-G.
Other names: c.182G>C, p.Gly61Ala (NM_001282543.2); c.239G>C, p.Gly80Ala (NM_001282549.2); c.158+16990G>C (NM_001282548.2); c.215+4639G>C (NM_001282545.2); short protein forms G61A, G80A.
Identifiers: ClinVar variation 3231794 (VCV003231794.1), dbSNP rs2106135319, ClinGen allele CA350461260.
Genomic context (GRCh38, chr2:214,792,422, plus strand): 5'-TGTCTATTTATCTTCAAGTCTTGTATCCAGGCCGGGGTGTAACACACTGGACATCCAGTT[C>G]CAATGCAGTCACTTACACAATTACTTTAAAATAATTAAAAAAAAAAAAAAAAGCAACCCA-3'
Protein context (NP_000456.2, residues 70-90): FCSNCVSDCI[Gly80Ala]TGCPVCYTPA

ClinVar aggregate classification (germline): Uncertain significance (1 of 4 stars; one submission).

Conditions:
Hereditary cancer-predisposing syndrome. Also called: Neoplastic Syndromes, Hereditary; Tumor predisposition; Hereditary neoplastic syndrome; Hereditary Cancer Syndrome. Identifiers: Orphanet 140162, MedGen C0027672, MeSH D009386, MONDO:0015356.

Submission:

Ambry Genetics
Classification: Uncertain significance for Hereditary cancer-predisposing syndrome. Last evaluated: 2024-01-10. Review status: criteria provided, single submitter. Criteria: Ambry Variant Classification Scheme 2023. Collection method: clinical testing. Allele origin: germline.
Comment: The p.G80A variant (also known as c.239G>C), located in coding exon 3 of the BARD1 gene, results from a G to C substitution at nucleotide position 239. The glycine at codon 80 is replaced by alanine, an amino acid with similar properties. This amino acid position is highly conserved in available vertebrate species. In addition, the in silico prediction for this alteration is inconclusive. Since supporting evidence is limited at this time, the clinical significance of this alteration remains unclear.